The following is an entry in ClinVar:

NM_000179.3(MSH6):c.2772T>C (p.Thr924=)

Gene: MSH6 (mutS homolog 6; plus strand). Cytogenetic location: 2p16.3.
Variant type: single nucleotide variant.
Coding change: c.2772T>C on transcript NM_000179.3 (MANE Select); coding-DNA position 2772, T replaced by C.
Protein change: p.Thr924=; no amino-acid change (threonine 924 retained).
Molecular consequence: synonymous variant.
Genome position (GRCh38, 1-based): chr2:47,800,755, T>C. VCF-style: chr2-47800755-T-C. GRCh37 (hg19) VCF-style: chr2-48027894-T-C.
Other names: c.2772T>C (NM_000179.2); c.2382T>C, p.Thr794= (NM_001281492.2); c.1866T>C, p.Thr622= (NM_001281493.2, NM_001281494.2).
Identifiers: ClinVar variation 1102235 (VCV001102235.14), dbSNP rs2104423352, ClinGen allele CA426121669.

ClinVar aggregate classification (germline): Benign/Likely benign. Review status: criteria provided, multiple submitters, no conflicts (2 of 4 stars). 3 submissions from 3 submitters: Benign (1); Likely benign (2). Last evaluated 2025-01-02.

Conditions:
Lynch syndrome 5 (LYNCH5). Also called: Colorectal cancer, hereditary nonpolyposis, type 5; Hereditary non-polyposis colorectal cancer, type 5. Identifiers: Orphanet 144, MedGen C1833477, MONDO:0013710, OMIM 614350. Disease mechanism: loss of function.
Hereditary nonpolyposis colorectal neoplasms. Identifiers: MedGen C0009405, MeSH D003123.
Hereditary cancer-predisposing syndrome. Also called: Tumor predisposition; Neoplastic Syndromes, Hereditary; Hereditary Cancer Syndrome; Hereditary neoplastic syndrome. Identifiers: Orphanet 140162, MedGen C0027672, MeSH D009386, MONDO:0015356.

Submissions (3):

Myriad Genetics, Inc.
Classification: Benign for Lynch syndrome 5. Last evaluated: 2025-01-02. Review status: criteria provided, single submitter. Criteria: Myriad Autosomal Dominant, Autosomal Recessive and X-Linked Classification Criteria (2023). Collection method: clinical testing. Allele origin: unknown.
Comment: This variant is considered benign. This variant is a silent/synonymous amino acid change and it is not expected to impact splicing.

Labcorp Genetics (formerly Invitae), Labcorp
Classification: Likely benign for Hereditary nonpolyposis colorectal neoplasms. Last evaluated: 2023-08-14. Review status: criteria provided, single submitter. Criteria: Invitae Variant Classification Sherloc (09022015). Collection method: clinical testing. Allele origin: germline.

Ambry Genetics
Classification: Likely benign for Hereditary cancer-predisposing syndrome. Last evaluated: 2023-03-19. Review status: criteria provided, single submitter. Criteria: Ambry Variant Classification Scheme 2023. Collection method: clinical testing. Allele origin: germline.